The following is an entry in ClinVar:

NM_018075.5(ANO10):c.1735C>T (p.Gln579Ter)

Gene: ANO10 (anoctamin 10; minus strand). Cytogenetic location: 3p22.1.
Variant type: single nucleotide variant.
Coding change: c.1735C>T on transcript NM_018075.5 (MANE Select); coding-DNA position 1735, C replaced by T.
Protein change: p.Gln579Ter; replaces glutamine 579 with a stop codon.
Molecular consequence: nonsense.
Genome position (GRCh38, 1-based): chr3:43,549,782, G>A on the plus strand (C>T on the coding strand, the complement: ANO10 is on the minus strand). VCF-style: chr3-43549782-G-A. GRCh37 (hg19) VCF-style: chr3-43591274-G-A.
Other names: c.1735C>T, p.Gln579Ter (NM_001204831.3, NM_001346465.2, NM_001346468.2); c.1537C>T, p.Gln513Ter (NM_001204832.3, NM_001346466.2, NM_001346469.2); c.1402C>T, p.Gln468Ter (NM_001204833.3); c.1165C>T, p.Gln389Ter (NM_001204834.3); c.1852C>T, p.Gln618Ter (NM_001346463.2, NM_001346464.2, NM_001346467.2); short protein forms Q389*, Q468*, Q513*, Q579*, Q618*.
Identifiers: ClinVar variation 3381957 (VCV003381957.2).

ClinVar aggregate classification (germline): Likely pathogenic (1 of 4 stars; one submission).

Conditions:
Autosomal recessive spinocerebellar ataxia 10. Identifiers: Orphanet 284289, MedGen C3150998, MONDO:0013392, OMIM 613728.

Submission:

Juno Genomics, Hangzhou Juno Genomics, Inc
Classification: Likely pathogenic for Autosomal recessive spinocerebellar ataxia 10. Review status: criteria provided, single submitter. Criteria: ACMG Guidelines, 2015. Collection method: clinical testing. Allele origin: germline. Affected: yes.
Comment: Null variant in a gene where loss of function (LOF) is a known mechanism of disease.;Absent from controls (or at extremely low frequency if recessive) in Genome Aggregation Database, Exome Sequencing Project, 1000 Genomes Project, or Exome Aggregation Consortium.